The following is an entry in ClinVar:

NM_000135.4(FANCA):c.427-3C>T

Gene: FANCA (FA complementation group A; minus strand). Cytogenetic location: 16q24.3.
Variant type: single nucleotide variant.
Coding change: c.427-3C>T on transcript NM_000135.4 (MANE Select); 3 bases into the intron before coding-DNA position 427, C replaced by T.
Molecular consequence: intron variant.
Genome position (GRCh38, 1-based): chr16:89,810,805, G>A on the plus strand (C>T on the coding strand, the complement: FANCA is on the minus strand). VCF-style: chr16-89810805-G-A. GRCh37 (hg19) VCF-style: chr16-89877213-G-A.
Other names: c.427-3C>T (NM_001286167.3, NM_001018112.3); c.426+124C>T (NM_001351830.2).
Identifiers: ClinVar variation 3655209 (VCV003655209.2).

ClinVar aggregate classification (germline): Uncertain significance (1 of 4 stars; one submission).

Conditions:
Fanconi anemia (FA). Also called: Fanconi's anemia. Identifiers: Orphanet 84, MedGen C0015625, MeSH D005199, MONDO:0019391.

Submission:

Labcorp Genetics (formerly Invitae), Labcorp
Classification: Uncertain significance for Fanconi anemia. Last evaluated: 2024-07-30. Review status: criteria provided, single submitter. Criteria: Invitae Variant Classification Sherloc (09022015). Collection method: clinical testing. Allele origin: germline.
Comment: This sequence change falls in intron 4 of the FANCA gene. It does not directly change the encoded amino acid sequence of the FANCA protein. It affects a nucleotide within the consensus splice site. This variant is not present in population databases (gnomAD no frequency). This variant has not been reported in the literature in individuals affected with FANCA-related conditions. Variants that disrupt the consensus splice site are a relatively common cause of aberrant splicing (PMID: 17576681, 9536098). Algorithms developed to predict the effect of sequence changes on RNA splicing suggest that this variant may disrupt the consensus splice site. In summary, the available evidence is currently insufficient to determine the role of this variant in disease. Therefore, it has been classified as a Variant of Uncertain Significance.

Literature cited by the submitters: PubMed 17576681; PubMed 9536098.